The following is an entry in ClinVar:

NM_013276.4(SHPK):c.349G>C (p.Glu117Gln)

Genes: SHPK (sedoheptulokinase; minus strand), LOC126862464 (MED14-independent group 3 enhancer GRCh37_chr17:3526895-3528094; plus strand). Cytogenetic location: 17p13.2.
Variant type: single nucleotide variant.
Coding change: c.349G>C on transcript NM_013276.4 (MANE Select); coding-DNA position 349, G replaced by C.
Protein change: p.Glu117Gln; replaces glutamic acid 117 with glutamine.
Molecular consequence: missense variant.
Genome position (GRCh38, 1-based): chr17:3,624,193, C>G on the plus strand (G>C on the coding strand, the complement: SHPK is on the minus strand). VCF-style: chr17-3624193-C-G. GRCh37 (hg19) VCF-style: chr17-3527487-C-G.
Other names: c.349G>C (NM_013276.2); short protein forms E117Q.
Identifiers: ClinVar variation 1513176 (VCV001513176.7), dbSNP rs145004665, ClinGen allele CA8291357.

ClinVar aggregate classification (germline): Uncertain significance. Review status: criteria provided, multiple submitters, no conflicts (2 of 4 stars). 2 submissions from 2 submitters: Uncertain significance (2). Last evaluated 2025-12-24.

Submissions (2):

Labcorp Genetics (formerly Invitae), Labcorp
Classification: Uncertain significance. Last evaluated: 2025-12-24. Review status: criteria provided, single submitter. Criteria: Invitae Variant Classification Sherloc (09022015). Collection method: clinical testing. Allele origin: germline.
Comment: This sequence change replaces glutamic acid, which is acidic and polar, with glutamine, which is neutral and polar, at codon 117 of the SHPK protein (p.Glu117Gln). This variant is present in population databases (rs145004665, gnomAD 0.003%). This variant has not been reported in the literature in individuals affected with SHPK-related conditions. ClinVar contains an entry for this variant (Variation ID: 1513176). An algorithm developed to predict the effect of missense changes on protein structure and function (PolyPhen-2) suggests that this variant is likely to be tolerated. In summary, the available evidence is currently insufficient to determine the role of this variant in disease. Therefore, it has been classified as a Variant of Uncertain Significance.

Ambry Genetics
Classification: Uncertain significance. Last evaluated: 2023-11-03. Review status: criteria provided, single submitter. Criteria: Ambry Variant Classification Scheme 2023. Collection method: clinical testing. Allele origin: germline.